The following is an entry in ClinVar:

ClinVar aggregate classification (germline): Uncertain significance. Review status: criteria provided, multiple submitters, no conflicts (2 of 4 stars). 2 submissions from 2 submitters: Uncertain significance (2). Last evaluated 2023-09-09.

Conditions:
Cardiovascular phenotype. Identifiers: MedGen CN230736.

gnomAD v4.1: 2 of 1,613,826 alleles (0.00012%); highest among the groups gnomAD compares: Non-Finnish European, 0.000085%; no homozygotes.

Submissions (2):

Blueprint Genetics
Classification: Uncertain significance. Last evaluated: 2023-09-09. Review status: criteria provided, single submitter. Criteria: ACMG Guidelines, 2015. Collection method: clinical testing. Allele origin: germline.

Ambry Genetics
Classification: Uncertain significance for Cardiovascular phenotype. Last evaluated: 2020-02-04. Review status: criteria provided, single submitter. Criteria: Ambry Variant Classification Scheme 2023. Collection method: clinical testing. Allele origin: germline.
Comment: The p.T19548S variant (also known as c.58642A>T), located in coding exon 153 of the TTN gene, results from an A to T substitution at nucleotide position 58642. The threonine at codon 19548 is replaced by serine, an amino acid with similar properties. This amino acid position is not well conserved in available vertebrate species. In addition, this alteration is predicted to be tolerated by in silico analysis. Since supporting evidence is limited at this time, the clinical significance of this alteration remains unclear.

NM_001267550.2(TTN):c.85837A>T (p.Thr28613Ser)

Genes: TTN (titin; minus strand), TTN-AS1 (TTN antisense RNA 1; plus strand). Cytogenetic location: 2q31.2.
Variant type: single nucleotide variant.
Coding change: c.85837A>T on transcript NM_001267550.2 (MANE Select); coding-DNA position 85837, A replaced by T.
Protein change: p.Thr28613Ser; replaces threonine 28613 with serine.
Molecular consequence: missense variant.
Genome position (GRCh38, 1-based): chr2:178,560,295, T>A on the plus strand (A>T on the coding strand, the complement: TTN is on the minus strand). VCF-style: chr2-178560295-T-A. GRCh37 (hg19) VCF-style: chr2-179425022-T-A.
Other names: c.59218A>T, p.Thr19740Ser (NM_133437.4); c.58642A>T, p.Thr19548Ser (NM_003319.4); c.78133A>T, p.Thr26045Ser (NM_133378.4); c.59017A>T, p.Thr19673Ser (NM_133432.3); c.80914A>T, p.Thr26972Ser (NM_001256850.1); short protein forms T26972S, T19740S, T19548S, T19673S, T26045S, T28613S.
Identifiers: ClinVar variation 1750159 (VCV001750159.3), dbSNP rs1341127613, ClinGen allele CA349547704.